The following is an entry in ClinVar:

NM_022455.5(NSD1):c.3839G>A (p.Trp1280Ter)

Gene: NSD1 (nuclear receptor binding SET domain protein 1; plus strand). Cytogenetic location: 5q35.3.
Variant type: single nucleotide variant.
Coding change: c.3839G>A on transcript NM_022455.5 (MANE Select); coding-DNA position 3839, G replaced by A.
Protein change: p.Trp1280Ter; replaces tryptophan 1280 with a stop codon.
Molecular consequence: nonsense.
Genome position (GRCh38, 1-based): chr5:177,235,863, G>A. VCF-style: chr5-177235863-G-A. GRCh37 (hg19) VCF-style: chr5-176662864-G-A.
Other names: c.2966G>A, p.Trp989Ter (NM_001409309.1, NM_172349.5, NM_001365684.2 and 3 more transcripts); c.3839G>A, p.Trp1280Ter (NM_001409301.1, NM_001409302.1, NM_001409303.1); c.3419G>A, p.Trp1140Ter (NM_001409304.1); c.3086G>A, p.Trp1029Ter (NM_001409305.1); short protein forms W1280*, W1011*, W989*, W1029*, W1140*.
Identifiers: ClinVar variation 159315 (VCV000159315.20), dbSNP rs587784105, ClinGen allele CA294854.

ClinVar aggregate classification (germline): Pathogenic. Review status: criteria provided, multiple submitters, no conflicts (2 of 4 stars). 4 submissions from 4 submitters: Pathogenic (4). Last evaluated 2021-07-15.

Conditions:
Sotos syndrome (SOTOS). Also called: Distinctive facial appearance, overgrowth in childhood, and learning disabilities or delayed development; CEREBRAL GIGANTISM; Sotos' syndrome; CHROMOSOME 5q35 DELETION SYNDROME; SOTOS SYNDROME 1. Identifiers: Orphanet 821, MedGen C0175695, MONDO:0019349, OMIM 117550.

Submissions (4):

Genome-Nilou Lab
Classification: Pathogenic for Sotos syndrome. Last evaluated: 2021-07-15. Review status: criteria provided, single submitter. Criteria: ACMG Guidelines, 2015. Collection method: clinical testing. Allele origin: germline. Affected: no.

Labcorp Genetics (formerly Invitae), Labcorp
Classification: Pathogenic. Last evaluated: 2019-11-12. Review status: criteria provided, single submitter. Criteria: Invitae Variant Classification Sherloc (09022015). Collection method: clinical testing. Allele origin: germline.
Comment: Loss-of-function variants in NSD1 are known to be pathogenic (PMID: 12464997, 14571271, 15942875, 16247291). This variant has not been reported in the literature in individuals with NSD1-related conditions. ClinVar contains an entry for this variant (Variation ID: 159315). This variant is not present in population databases (ExAC no frequency). This sequence change creates a premature translational stop signal (p.Trp1280*) in the NSD1 gene. It is expected to result in an absent or disrupted protein product. For these reasons, this variant has been classified as Pathogenic.

Center for Personalized Medicine, Children's Hospital Los Angeles
Classification: Pathogenic. Last evaluated: 2018-11-19. Review status: criteria provided, single submitter. Criteria: ACMG Guidelines, 2015. Collection method: clinical testing. Allele origin: germline. Affected: yes.

Genetic Services Laboratory, University of Chicago
Classification: Pathogenic for Sotos syndrome 1. Last evaluated: 2013-02-08. Review status: criteria provided, single submitter. Criteria: ACMG Guidelines, 2007. Collection method: clinical testing. Allele origin: germline. Inheritance: Autosomal dominant inheritance. Affected: yes.

Literature cited by the submitters: PubMed 12464997 (cited by Labcorp Genetics (formerly Invitae), Labcorp); PubMed 14571271 (cited by Labcorp Genetics (formerly Invitae), Labcorp); PubMed 15942875 (cited by Labcorp Genetics (formerly Invitae), Labcorp); PubMed 16247291 (cited by Labcorp Genetics (formerly Invitae), Labcorp).